The following is an entry in ClinVar:

ClinVar aggregate classification (germline): Uncertain significance (1 of 4 stars; one submission).

Conditions:
Ectodermal dysplasia and immunodeficiency 2. Identifiers: Orphanet 238468, Orphanet 98813, MedGen C2677481, MONDO:0012806, OMIM 612132.

Allele frequency attached by ClinVar (database versions not stated): TOPMed below 0.00001.
gnomAD v4.1: 1 of 1,602,714 alleles (0.000062%); highest among the groups gnomAD compares: Non-Finnish European, 0.000085%; no homozygotes.

Submission:

Labcorp Genetics (formerly Invitae), Labcorp
Classification: Uncertain significance for Ectodermal dysplasia and immunodeficiency 2. Last evaluated: 2022-12-22. Review status: criteria provided, single submitter. Criteria: Invitae Variant Classification Sherloc (09022015). Collection method: clinical testing. Allele origin: germline.
Comment: This variant is not present in population databases (gnomAD no frequency). This variant has not been reported in the literature in individuals affected with NFKBIA-related conditions. Algorithms developed to predict the effect of missense changes on protein structure and function (SIFT, PolyPhen-2, Align-GVGD) all suggest that this variant is likely to be tolerated. In summary, the available evidence is currently insufficient to determine the role of this variant in disease. Therefore, it has been classified as a Variant of Uncertain Significance. This sequence change replaces glutamic acid, which is acidic and polar, with aspartic acid, which is acidic and polar, at codon 55 of the NFKBIA protein (p.Glu55Asp).

NM_020529.3(NFKBIA):c.165G>C (p.Glu55Asp)

Gene: NFKBIA (NFKB inhibitor alpha; minus strand). Cytogenetic location: 14q13.2.
Variant type: single nucleotide variant.
Coding change: c.165G>C on transcript NM_020529.3 (MANE Select); coding-DNA position 165, G replaced by C.
Protein change: p.Glu55Asp; replaces glutamic acid 55 with aspartic acid.
Molecular consequence: missense variant.
Genome position (GRCh38, 1-based): chr14:35,404,480, C>G on the plus strand (G>C on the coding strand, the complement: NFKBIA is on the minus strand). VCF-style: chr14-35404480-C-G. GRCh37 (hg19) VCF-style: chr14-35873686-C-G.
Other names: short protein forms E55D.
Identifiers: ClinVar variation 3017784 (VCV003017784.3), dbSNP rs2052767503, ClinGen allele CA389455087.